The following is an entry in ClinVar:

ClinVar aggregate classification (germline): Uncertain significance. Review status: criteria provided, multiple submitters, no conflicts (2 of 4 stars). 2 submissions from 2 submitters: Uncertain significance (2). Last evaluated 2024-03-06.

Conditions:
Cardiomyopathy (CMYO). Also called: Cardiomyopathies. Identifiers: Orphanet 167848, MedGen C0878544, MONDO:0004994, HP:0001638. Inheritance: Various modes of inheritance.

gnomAD v4.1: 12 of 1,614,118 alleles (0.00074%); highest among the groups gnomAD compares: African/African-American, 0.0013%; no homozygotes.

Submissions (2):

Color Diagnostics, LLC DBA Color Health
Classification: Uncertain significance for Cardiomyopathy. Last evaluated: 2024-03-06. Review status: criteria provided, single submitter. Criteria: ACMG Guidelines, 2015. Collection method: clinical testing. Allele origin: germline.
Comment: This missense variant replaces asparagine with serine at codon 724 of the DSP protein. Computational prediction suggests that this variant may not impact protein structure and function (internally defined REVEL score threshold <= 0.5, PMID: 27666373). To our knowledge, functional studies have not been reported for this variant. This variant has not been reported in individuals affected with cardiovascular disorders in the literature. This variant has not been identified in the general population by the Genome Aggregation Database (gnomAD). The available evidence is insufficient to determine the role of this variant in disease conclusively. Therefore, this variant is classified as a Variant of Uncertain Significance.

GeneDx
Classification: Uncertain significance. Last evaluated: 2022-11-07. Review status: criteria provided, single submitter. Criteria: GeneDx Variant Classification Process June 2021. Collection method: clinical testing. Allele origin: germline. Affected: yes.
Comment: Has not been previously published as pathogenic or benign to our knowledge; Not observed at significant frequency in large population cohorts (gnomAD); In silico analysis supports that this missense variant does not alter protein structure/function

NM_004415.4(DSP):c.2171A>G (p.Asn724Ser)

Gene: DSP (desmoplakin; plus strand). Cytogenetic location: 6p24.3.
Variant type: single nucleotide variant.
Coding change: c.2171A>G on transcript NM_004415.4 (MANE Select); coding-DNA position 2171, A replaced by G.
Protein change: p.Asn724Ser; replaces asparagine 724 with serine.
Molecular consequence: missense variant.
Genome position (GRCh38, 1-based): chr6:7,574,126, A>G. VCF-style: chr6-7574126-A-G. GRCh37 (hg19) VCF-style: chr6-7574359-A-G.
Other names: c.2171A>G, p.Asn724Ser (NM_001008844.3, NM_001319034.2); short protein forms N724S.
Identifiers: ClinVar variation 1332068 (VCV001332068.5), dbSNP rs757299922, ClinGen allele CA362680721.
Genomic context (GRCh38, chr6:7,574,126, plus strand): 5'-CTTTCCTTCATTTTTGACAGAGTGTGCAGAATGATTCACAAGCAATTGCTGAGGTTCTCA[A>G]CCAGCTTAAAGATATGCTTGCCAACTTCAGAGGTTCTGAAAAGTACTGCTATTTACAGAA-3'
Protein context (NP_004406.2, residues 714-734): NDSQAIAEVL[Asn724Ser]QLKDMLANFR